The following is an entry in ClinVar:

NM_000455.5(STK11):c.63T>G (p.Gly21=)

Gene: STK11 (serine/threonine kinase 11; plus strand). Cytogenetic location: 19p13.3.
Variant type: single nucleotide variant.
Coding change: c.63T>G on transcript NM_000455.5 (MANE Select); coding-DNA position 63, T replaced by G.
Protein change: p.Gly21=; no amino-acid change (glycine 21 retained).
Molecular consequence: synonymous variant. On other transcripts: non-coding transcript variant (1).
Genome position (GRCh38, 1-based): chr19:1,206,976, T>G. VCF-style: chr19-1206976-T-G. GRCh37 (hg19) VCF-style: chr19-1206975-T-G.
Other names: c.63T>G, p.Gly21= (NM_001407255.1).
Identifiers: ClinVar variation 4084174 (VCV004084174.8).

ClinVar aggregate classification (germline): Likely benign (1 of 4 stars; one submission).

Submission:

CeGaT Center for Human Genetics Tuebingen
Classification: Likely benign. Last evaluated: 2025-08-01. Review status: criteria provided, single submitter. Criteria: CeGaT Center For Human Genetics Tuebingen Variant Classification Criteria Version 2. Collection method: clinical testing. Allele origin: germline. Affected: yes. Observed: 1 variant allele.
Comment: STK11: PM2:Supporting, BP4, BP7